The following is an entry in ClinVar:

ClinVar aggregate classification (germline): Uncertain significance. Review status: criteria provided, multiple submitters, no conflicts (2 of 4 stars). 2 submissions from 2 submitters: Uncertain significance (2). Last evaluated 2025-08-15.

Allele frequency attached by ClinVar (database versions not stated): gnomAD exomes below 0.00001; TOPMed 0.00001; ESP Exome Variant Server 0.00008.
gnomAD v4.1: 24 of 1,613,946 alleles (0.0015%); highest among the groups gnomAD compares: African/African-American, 0.0027%; no homozygotes.

Submissions (2):

Ambry Genetics
Classification: Uncertain significance. Last evaluated: 2025-08-15. Review status: criteria provided, single submitter. Criteria: Ambry Variant Classification Scheme 2023. Collection method: clinical testing. Allele origin: germline.

Labcorp Genetics (formerly Invitae), Labcorp
Classification: Uncertain significance. Last evaluated: 2025-02-07. Review status: criteria provided, single submitter. Criteria: Invitae Variant Classification Sherloc (09022015). Collection method: clinical testing. Allele origin: germline.
Comment: This sequence change replaces arginine, which is basic and polar, with cysteine, which is neutral and slightly polar, at codon 138 of the FCHO1 protein (p.Arg138Cys). This variant is present in population databases (rs149422647, gnomAD 0.0009%). This variant has not been reported in the literature in individuals affected with FCHO1-related conditions. ClinVar contains an entry for this variant (Variation ID: 1376993). An algorithm developed to predict the effect of missense changes on protein structure and function (PolyPhen-2) suggests that this variant is likely to be disruptive. In summary, the available evidence is currently insufficient to determine the role of this variant in disease. Therefore, it has been classified as a Variant of Uncertain Significance.

NM_015122.3(FCHO1):c.412C>T (p.Arg138Cys)

Gene: FCHO1 (FCH and mu domain containing endocytic adaptor 1; plus strand). Cytogenetic location: 19p13.11.
Variant type: single nucleotide variant.
Coding change: c.412C>T on transcript NM_015122.3 (MANE Select); coding-DNA position 412, C replaced by T.
Protein change: p.Arg138Cys; replaces arginine 138 with cysteine.
Molecular consequence: missense variant. On other transcripts: non-coding transcript variant (36).
Genome position (GRCh38, 1-based): chr19:17,770,500, C>T. VCF-style: chr19-17770500-C-T. GRCh37 (hg19) VCF-style: chr19-17881309-C-T.
Other names: c.412C>T (NM_001161357.1); c.412C>T, p.Arg138Cys (NM_001161357.2, NM_001161358.2, NM_001384370.1 and 26 more transcripts); c.262C>T, p.Arg88Cys (NM_001161359.2, NM_001384384.1, NM_001384385.1 and 3 more transcripts); c.373C>T, p.Arg125Cys (NM_001384388.1, NM_001384389.1, NM_001384405.1); c.337C>T, p.Arg113Cys (NM_001384390.1); short protein forms R113C, R125C, R138C, R88C.
Identifiers: ClinVar variation 1376993 (VCV001376993.8), dbSNP rs149422647, ClinGen allele CA306110747.